The following is an entry in ClinVar:

NM_006941.4(SOX10):c.329C>T (p.Ala110Val)

Genes: POLR2F (RNA polymerase II, I and III subunit F; plus strand), SOX10 (SRY-box transcription factor 10; minus strand). Cytogenetic location: 22q13.1.
Variant type: single nucleotide variant.
Coding change: c.329C>T on transcript NM_006941.4 (MANE Select); coding-DNA position 329, C replaced by T.
Protein change: p.Ala110Val; replaces alanine 110 with valine.
Molecular consequence: missense variant. On other transcripts: intron variant (3).
Genome position (GRCh38, 1-based): chr22:37,983,456, G>A on the plus strand (C>T on the coding strand, the complement: SOX10 is on the minus strand). VCF-style: chr22-37983456-G-A. GRCh37 (hg19) VCF-style: chr22-38379463-G-A.
Other names: c.*38+11146G>A (NM_001363825.1); c.294-2698G>A (NM_001301130.2); c.293+16286G>A (NM_001301131.2); short protein forms A110V.
Identifiers: ClinVar variation 809363 (VCV000809363.41), dbSNP rs1601886756, ClinGen allele CA411500596.

ClinVar aggregate classification (germline): Uncertain significance. Review status: criteria provided, multiple submitters, no conflicts (2 of 4 stars). 2 submissions from 2 submitters: Uncertain significance (2). Last evaluated 2025-05-13.

Submissions (2):

GeneDx
Classification: Uncertain significance. Last evaluated: 2025-05-13. Review status: criteria provided, single submitter. Criteria: GeneDx Variant Classification Process June 2021. Collection method: clinical testing. Allele origin: germline. Affected: yes.
Comment: Not observed at significant frequency in large population cohorts (gnomAD); In silico analysis supports that this missense variant has a deleterious effect on protein structure/function; Has not been previously published as pathogenic or benign to our knowledge

CeGaT Center for Human Genetics Tuebingen
Classification: Uncertain significance. Last evaluated: 2020-03-01. Review status: criteria provided, single submitter. Criteria: CeGaT Center For Human Genetics Tuebingen Variant Classification Criteria Version 2. Collection method: clinical testing. Allele origin: germline. Affected: yes. Observed: 4 variant alleles.